The following is an entry in ClinVar:

NM_001134407.3(GRIN2A):c.1943A>G (p.Asn648Ser)

Gene: GRIN2A (glutamate ionotropic receptor NMDA type subunit 2A; minus strand). Cytogenetic location: 16p13.2.
Variant type: single nucleotide variant.
Coding change: c.1943A>G on transcript NM_001134407.3 (MANE Select); coding-DNA position 1943, A replaced by G.
Protein change: p.Asn648Ser; replaces asparagine 648 with serine.
Molecular consequence: missense variant.
Genome position (GRCh38, 1-based): chr16:9,829,487, T>C on the plus strand (A>G on the coding strand, the complement: GRIN2A is on the minus strand). VCF-style: chr16-9829487-T-C. GRCh37 (hg19) VCF-style: chr16-9923344-T-C.
Other names: c.1943A>G, p.Asn648Ser (NM_000833.5, NM_001134408.2); short protein forms N648S.
Identifiers: ClinVar variation 205652 (VCV000205652.4), dbSNP rs796052545, ClinGen allele CA314939.

ClinVar aggregate classification (germline): Pathogenic/Likely pathogenic. Review status: criteria provided, multiple submitters, no conflicts (2 of 4 stars). 2 submissions from 2 submitters: Pathogenic (1); Likely pathogenic (1). Last evaluated 2023-11-26.

Conditions:
Landau-Kleffner syndrome (FESD). Also called: EPILEPSY, FOCAL, WITH SPEECH DISORDER AND WITH OR WITHOUT MENTAL RETARDATION; APHASIA, ACQUIRED, WITH EPILEPSY. Identifiers: Orphanet 1945, Orphanet 725, Orphanet 98818, MedGen C0282512, MONDO:0009509, OMIM 245570.

Submissions (2):

GeneDx
Classification: Pathogenic. Last evaluated: 2023-11-26. Review status: criteria provided, single submitter. Criteria: GeneDx Variant Classification Process June 2021. Collection method: clinical testing. Allele origin: germline. Affected: yes.
Comment: Not observed at significant frequency in large population cohorts (gnomAD); In silico analysis supports that this missense variant has a deleterious effect on protein structure/function; This variant is associated with the following publications: (PMID: 26633542, 30544257, 27839871)

Institute of Human Genetics, University of Leipzig Medical Center
Classification: Likely pathogenic for Landau-Kleffner syndrome. Last evaluated: 2019-01-01. Review status: criteria provided, single submitter. Criteria: ACMG Guidelines, 2015. Collection method: research. Allele origin: de novo. Affected: yes.

Literature cited by the submitters: PubMed 30544257 (cited by Institute of Human Genetics, University of Leipzig Medical Center).